The following is an entry in ClinVar:

ClinVar aggregate classification (germline): Uncertain significance. Review status: criteria provided, multiple submitters, no conflicts (2 of 4 stars). 4 submissions from 4 submitters: Uncertain significance (4). Last evaluated 2026-04-24.

Conditions:
Gastrointestinal stromal tumor. Also called: Gastrointestinal stromal tumor, somatic; Gastrointestinal stroma tumor. Identifiers: Orphanet 44890, MedGen C0238198, MeSH D046152, MONDO:0011719, OMIM 606764, HP:0100723.
Acute myeloid leukemia (AML). Also called: Acute myeloid leukemia, adult; AML adult; Acute non-lymphocytic leukemia; Acute granulocytic leukemia; Leukemia, acute myeloid, somatic; Leukemia, acute myelogenous, somatic. Identifiers: Orphanet 519, MedGen C0023467, MeSH D015470, MONDO:0018874, OMIM 601626, HP:0004808. Disease mechanism: Constitutively activated FLT3.
Cutaneous mastocytosis. Also called: MASTOCYTOSIS, MACULOPAPULAR CUTANEOUS. Identifiers: Orphanet 66646, MedGen C1136033, MONDO:0019023, OMIM 154800, HP:0200151.
Piebaldism. Also called: Piebald skin depigmentation. Identifiers: Orphanet 2884, MedGen C0080024, MONDO:0008244, OMIM 172800, HP:0007544.
Germ cell tumor of testis (TGCT). Also called: GERM CELL TUMOR, SOMATIC; Testicular germ cell tumor. Identifiers: Orphanet 363504, MedGen C1336708, MONDO:0010108, OMIM 273300.
Hereditary cancer-predisposing syndrome. Also called: Tumor predisposition; Neoplastic Syndromes, Hereditary; Hereditary neoplastic syndrome; Hereditary Cancer Syndrome. Identifiers: Orphanet 140162, MedGen C0027672, MeSH D009386, MONDO:0015356.

Allele frequency attached by ClinVar (database versions not stated): gnomAD exomes below 0.00001; TOPMed below 0.00001; gnomAD 0.00001.
gnomAD v4.1: 2 of 1,613,642 alleles (0.00012%); highest among the groups gnomAD compares: East Asian, 0.0022%; no homozygotes.

Submissions (4):

Ambry Genetics
Classification: Uncertain significance for Hereditary cancer-predisposing syndrome. Last evaluated: 2026-04-24. Review status: criteria provided, single submitter. Criteria: Ambry Variant Classification Scheme 2023. Collection method: clinical testing. Allele origin: germline.
Comment: The p.E898K variant (also known as c.2692G>A), located in coding exon 19 of the KIT gene, results from a G to A substitution at nucleotide position 2692. The glutamic acid at codon 898 is replaced by lysine, an amino acid with similar properties. This amino acid position is well conserved in available vertebrate species. In addition, the in silico prediction for this alteration is inconclusive. Based on the available evidence, the clinical significance of this variant remains unclear.

Fulgent Genetics
Classification: Uncertain significance for Cutaneous mastocytosis; Piebaldism; Germ cell tumor of testis; Acute myeloid leukemia; Gastrointestinal stromal tumor. Last evaluated: 2024-06-19. Review status: criteria provided, single submitter. Criteria: ACMG Guidelines, 2015. Collection method: clinical testing. Allele origin: germline.

Labcorp Genetics (formerly Invitae), Labcorp
Classification: Uncertain significance for Gastrointestinal stromal tumor. Last evaluated: 2022-07-25. Review status: criteria provided, single submitter. Criteria: Invitae Variant Classification Sherloc (09022015). Collection method: clinical testing. Allele origin: germline.
Comment: In summary, the available evidence is currently insufficient to determine the role of this variant in disease. Therefore, it has been classified as a Variant of Uncertain Significance. Algorithms developed to predict the effect of missense changes on protein structure and function are either unavailable or do not agree on the potential impact of this missense change (SIFT: "Deleterious"; PolyPhen-2: "Probably Damaging"; Align-GVGD: "Class C0"). ClinVar contains an entry for this variant (Variation ID: 836021). This variant has not been reported in the literature in individuals affected with KIT-related conditions. This variant is not present in population databases (gnomAD no frequency). This sequence change replaces glutamic acid, which is acidic and polar, with lysine, which is basic and polar, at codon 898 of the KIT protein (p.Glu898Lys).

Blueprint Genetics
Classification: Uncertain significance. Last evaluated: 2018-04-12. Review status: criteria provided, single submitter. Criteria: ACMG Guidelines, 2015. Collection method: clinical testing. Allele origin: germline.

NM_000222.3(KIT):c.2692G>A (p.Glu898Lys)

Gene: KIT (KIT proto-oncogene, receptor tyrosine kinase; plus strand). Cytogenetic location: 4q12.
Variant type: single nucleotide variant.
Coding change: c.2692G>A on transcript NM_000222.3 (MANE Select); coding-DNA position 2692, G replaced by A.
Protein change: p.Glu898Lys; replaces glutamic acid 898 with lysine.
Molecular consequence: missense variant.
Genome position (GRCh38, 1-based): chr4:54,736,816, G>A. VCF-style: chr4-54736816-G-A. GRCh37 (hg19) VCF-style: chr4-55602982-G-A.
Other names: c.2680G>A, p.Glu894Lys (NM_001093772.2, NM_001385292.1); c.2695G>A, p.Glu899Lys (NM_001385284.1); c.2689G>A, p.Glu897Lys (NM_001385285.1); c.2677G>A, p.Glu893Lys (NM_001385286.1); c.2683G>A, p.Glu895Lys (NM_001385288.1); c.2692G>A, p.Glu898Lys (NM_001385290.1); short protein forms E898K, E894K, E893K, E895K, E897K, E899K.
Identifiers: ClinVar variation 836021 (VCV000836021.13), dbSNP rs1722948356, ClinGen allele CA356914086.